The following is an entry in ClinVar:

ClinVar aggregate classification (germline): Uncertain significance (1 of 4 stars; one submission).

Conditions:
Inborn genetic diseases. Identifiers: MedGen C0950123, MeSH D030342.

Submission:

Ambry Genetics
Classification: Uncertain significance for Inborn genetic diseases. Last evaluated: 2025-02-26. Review status: criteria provided, single submitter. Criteria: Ambry Variant Classification Scheme 2023. Collection method: clinical testing. Allele origin: germline.
Comment: The p.S197C variant (also known as c.590C>G), located in coding exon 5 of the BMPR2 gene, results from a C to G substitution at nucleotide position 590. The serine at codon 197 is replaced by cysteine, an amino acid with dissimilar properties. This amino acid position is conserved. In addition, this alteration is predicted to be deleterious by in silico analysis. Based on the available evidence, the clinical significance of this variant remains unclear.

NM_001204.7(BMPR2):c.590C>G (p.Ser197Cys)

Gene: BMPR2 (bone morphogenetic protein receptor type 2; plus strand). Cytogenetic location: 2q33.2.
Variant type: single nucleotide variant.
Coding change: c.590C>G on transcript NM_001204.7 (MANE Select); coding-DNA position 590, C replaced by G.
Protein change: p.Ser197Cys; replaces serine 197 with cysteine.
Molecular consequence: missense variant.
Genome position (GRCh38, 1-based): chr2:202,514,948, C>G. VCF-style: chr2-202514948-C-G. GRCh37 (hg19) VCF-style: chr2-203379671-C-G.
Other names: short protein forms S197C.
Identifiers: ClinVar variation 3824931 (VCV003824931.1).
Genomic context (GRCh38, chr2:202,514,948, plus strand): 5'-GAGACCGTAAACAAGGTCTTCACAGTATGAACATGATGGAGGCAGCAGCATCCGAACCCT[C>G]TCTTGATCTAGATAATCTGAAACTGTTGGAGGTAAGTTTGCCGTTAGATTATGGACTGTT-3'
Protein context (NP_001195.2, residues 187-207): NMMEAAASEP[Ser197Cys]LDLDNLKLLE